The following is an entry in ClinVar:

NM_198576.4(AGRN):c.6057C>T (p.Asp2019=)

Gene: AGRN (agrin; plus strand). Cytogenetic location: 1p36.33.
Variant type: single nucleotide variant.
Coding change: c.6057C>T on transcript NM_198576.4 (MANE Select); coding-DNA position 6057, C replaced by T.
Protein change: p.Asp2019=; no amino-acid change (aspartic acid 2019 retained).
Molecular consequence: synonymous variant.
Genome position (GRCh38, 1-based): chr1:1,054,900, C>T. VCF-style: chr1-1054900-C-T. GRCh37 (hg19) VCF-style: chr1-990280-C-T.
Other names: p.Asp2019=; c.6057C>T (LRG_198t1); c.6126C>T, p.Asp2042= (NM_001305275.2); c.5754C>T, p.Asp1918= (NM_001364727.2).
Identifiers: ClinVar variation 128319 (VCV000128319.20), dbSNP rs4275402, ClinGen allele CA151685.

ClinVar aggregate classification (germline): Benign. Review status: criteria provided, multiple submitters, no conflicts (2 of 4 stars). 8 submissions from 8 submitters: Benign (8). Last evaluated 2026-02-04.

Conditions:
Congenital myasthenic syndrome 8. Also called: Myasthenic syndrome, congenital, 8, with pre- and postsynaptic defects; MYASTHENIC SYNDROME, CONGENITAL, DUE TO AGRIN DEFICIENCY. Identifiers: Orphanet 590, MedGen C3808739, MONDO:0014052, OMIM 615120.

Allele frequency attached by ClinVar (database versions not stated): 1000 Genomes Project 30x 0.57589; ESP Exome Variant Server 0.57915; gnomAD 0.58285 and 0.59050; 1000 Genomes Project 0.58526; TOPMed 0.58788; ExAC 0.63764; gnomAD exomes 0.67642 and 0.69281.
gnomAD v4.1: 1,056,982 of 1,549,936 alleles (68%); highest among the groups gnomAD compares: East Asian, 83%; 367,096 homozygotes.

Submissions (8):

Labcorp Genetics (formerly Invitae), Labcorp
Classification: Benign for Congenital myasthenic syndrome 8. Last evaluated: 2026-02-04. Review status: criteria provided, single submitter. Criteria: Invitae Variant Classification Sherloc (09022015). Collection method: clinical testing. Allele origin: germline.

Blueprint Genetics
Classification: Benign. Last evaluated: 2024-11-26. Review status: criteria provided, single submitter. Criteria: ACMG Guidelines, 2015. Collection method: clinical testing. Allele origin: germline.

Genome-Nilou Lab
Classification: Benign for Congenital myasthenic syndrome 8. Last evaluated: 2021-07-14. Review status: criteria provided, single submitter. Criteria: ACMG Guidelines, 2015. Collection method: clinical testing. Allele origin: germline. Affected: no.

Mayo Clinic Laboratories, Mayo Clinic
Classification: Benign. Last evaluated: 2017-07-21. Review status: criteria provided, single submitter. Criteria: ACMG Guidelines, 2015. Collection method: clinical testing. Allele origin: germline. Observed: 387 variant alleles.

GeneDx
Classification: Benign. Last evaluated: 2016-01-19. Review status: criteria provided, single submitter. Criteria: GeneDx Variant Classification (06012015). Collection method: clinical testing. Allele origin: germline. Affected: yes.
Comment: This variant is considered likely benign or benign based on one or more of the following criteria: it is a conservative change, it occurs at a poorly conserved position in the protein, it is predicted to be benign by multiple in silico algorithms, and/or has population frequency not consistent with disease.

Genetic Services Laboratory, University of Chicago
Classification: Benign for AllHighlyPenetrant. Last evaluated: 2013-08-15. Review status: criteria provided, single submitter. Criteria: ACMG Guidelines, 2007. Collection method: clinical testing. Allele origin: germline. Inheritance: Autosomal recessive inheritance.

Breakthrough Genomics
Classification: Benign. Review status: criteria provided, single submitter. Criteria: ACMG Guidelines, 2015. Collection method: not provided. Allele origin: germline. Inheritance: Autosomal recessive inheritance. Affected: yes.

PreventionGenetics, part of Exact Sciences
Classification: Benign. Review status: criteria provided, single submitter. Criteria: ACMG Guidelines, 2015. Collection method: clinical testing. Allele origin: germline.